The following is an entry in ClinVar:

ClinVar aggregate classification (germline): Uncertain significance. Review status: criteria provided, multiple submitters, no conflicts (2 of 4 stars). 2 submissions from 2 submitters: Uncertain significance (2). Last evaluated 2025-09-01.

Allele frequency attached by ClinVar (database versions not stated): TOPMed 0.00002; ExAC 0.00003; gnomAD 0.00003; gnomAD exomes 0.00003; ESP Exome Variant Server 0.00008.

Submissions (2):

Ambry Genetics
Classification: Uncertain significance. Last evaluated: 2025-09-01. Review status: criteria provided, single submitter. Criteria: Ambry Variant Classification Scheme 2023. Collection method: clinical testing. Allele origin: germline.

Labcorp Genetics (formerly Invitae), Labcorp
Classification: Uncertain significance. Last evaluated: 2023-11-18. Review status: criteria provided, single submitter. Criteria: Invitae Variant Classification Sherloc (09022015). Collection method: clinical testing. Allele origin: germline.
Comment: This sequence change replaces isoleucine, which is neutral and non-polar, with leucine, which is neutral and non-polar, at codon 271 of the SPPL2A protein (p.Ile271Leu). This variant is present in population databases (rs148729332, gnomAD 0.008%). This variant has not been reported in the literature in individuals affected with SPPL2A-related conditions. ClinVar contains an entry for this variant (Variation ID: 1951032). An algorithm developed to predict the effect of missense changes on protein structure and function (PolyPhen-2) suggests that this variant is likely to be tolerated. In summary, the available evidence is currently insufficient to determine the role of this variant in disease. Therefore, it has been classified as a Variant of Uncertain Significance.

NM_032802.4(SPPL2A):c.811A>T (p.Ile271Leu)

Gene: SPPL2A (signal peptide peptidase like 2A; minus strand). Cytogenetic location: 15q21.2.
Variant type: single nucleotide variant.
Coding change: c.811A>T on transcript NM_032802.4 (MANE Select); coding-DNA position 811, A replaced by T.
Protein change: p.Ile271Leu; replaces isoleucine 271 with leucine.
Molecular consequence: missense variant.
Genome position (GRCh38, 1-based): chr15:50,736,663, T>A on the plus strand (A>T on the coding strand, the complement: SPPL2A is on the minus strand). VCF-style: chr15-50736663-T-A. GRCh37 (hg19) VCF-style: chr15-51028860-T-A.
Other names: c.811A>T (NM_032802.3); short protein forms I271L.
Identifiers: ClinVar variation 1951032 (VCV001951032.6), dbSNP rs148729332, ClinGen allele CA7558414.